The following is an entry in ClinVar:

ClinVar aggregate classification (germline): Conflicting classifications of pathogenicity. Review status: criteria provided, conflicting classifications (1 of 4 stars). 2 submissions from 2 submitters: Pathogenic (1); Uncertain significance (1). Last evaluated 2024-07-17.

Conditions:
Osteogenesis imperfecta type I (OI1). Also called: OI, TYPE I; OSTEOGENESIS IMPERFECTA TARDA; OSTEOGENESIS IMPERFECTA WITH BLUE SCLERAE; Osteogenesis imperfecta type 1; Classic Non-deforming Osteogenesis Imperfecta with Blue Sclerae; Lobstein's Disease. Identifiers: Orphanet 216796, Orphanet 666, MedGen C0023931, MONDO:0008146, OMIM 166200. Disease mechanism: loss of function.
Ehlers-Danlos syndrome, classic type, 1 (EDSCL1). Also called: EDS I; EHLERS-DANLOS SYNDROME, GRAVIS TYPE; EHLERS-DANLOS SYNDROME, SEVERE CLASSIC TYPE; Ehlers-Danlos Syndrome, Classic Type, COL5A1-Related; Ehlers-Danlos syndrome, type 1. Identifiers: MedGen C0268335, MONDO:0019567, OMIM 130000.
Osteogenesis imperfecta type III (OI3). Also called: Progressively Deforming Osteogenesis Imperfecta; Osteogenesis imperfecta type 3; OI type 3; Osteogenesis imperfecta, progressively deforming with normal sclerae; OI type III. Identifiers: Orphanet 216812, Orphanet 666, MedGen C0268362, MONDO:0009804, OMIM 259420.

Submissions (2):

Labcorp Genetics (formerly Invitae), Labcorp
Classification: Pathogenic for Osteogenesis imperfecta type I; Ehlers-Danlos syndrome, classic type, 1. Last evaluated: 2024-07-17. Review status: criteria provided, single submitter. Criteria: Invitae Variant Classification Sherloc (09022015). Collection method: clinical testing. Allele origin: germline.
Comment: This sequence change replaces glycine, which is neutral and non-polar, with valine, which is neutral and non-polar, at codon 415 of the COL1A2 protein (p.Gly415Val). This variant is not present in population databases (gnomAD no frequency). This missense change has been observed in individual(s) with osteogenesis imperfecta type 1 (Invitae). ClinVar contains an entry for this variant (Variation ID: 637973). Advanced modeling of protein sequence and biophysical properties (such as structural, functional, and spatial information, amino acid conservation, physicochemical variation, residue mobility, and thermodynamic stability) performed at Invitae indicates that this missense variant is expected to disrupt COL1A2 protein function with a positive predictive value of 95%. This variant disrupts the triple helix domain of COL1A2. Glycine residues within the Gly-Xaa-Yaa repeats of the triple helix domain are required for the structure and stability of fibrillar collagens (PMID: 7695699, 8218237, 19344236). In COL1A2, variants affecting these glycine residues are significantly enriched in individuals with disease (PMID: 9016532, 17078022) compared to the general population (ExAC). For these reasons, this variant has been classified as Pathogenic.

MVZ Martinsried, Medicover Genetics
Classification: Uncertain significance for Osteogenesis imperfecta type III. Last evaluated: 2019-01-15. Review status: criteria provided, single submitter. Criteria: ACMG Guidelines, 2015. Collection method: clinical testing. Allele origin: unknown. Affected: yes.

Literature cited by the submitters: PubMed 7695699 (cited by Labcorp Genetics (formerly Invitae), Labcorp); PubMed 8218237 (cited by Labcorp Genetics (formerly Invitae), Labcorp); PubMed 19344236 (cited by Labcorp Genetics (formerly Invitae), Labcorp); PubMed 9016532 (cited by Labcorp Genetics (formerly Invitae), Labcorp); PubMed 17078022 (cited by Labcorp Genetics (formerly Invitae), Labcorp).

NM_000089.4(COL1A2):c.1244G>T (p.Gly415Val)

Gene: COL1A2 (collagen type I alpha 2 chain; plus strand). Cytogenetic location: 7q21.3.
Variant type: single nucleotide variant.
Coding change: c.1244G>T on transcript NM_000089.4 (MANE Select); coding-DNA position 1244, G replaced by T.
Protein change: p.Gly415Val; replaces glycine 415 with valine.
Molecular consequence: missense variant.
Genome position (GRCh38, 1-based): chr7:94,410,935, G>T. VCF-style: chr7-94410935-G-T. GRCh37 (hg19) VCF-style: chr7-94040247-G-T.
Other names: short protein forms G415V.
Identifiers: ClinVar variation 637973 (VCV000637973.3), dbSNP rs1584320246, ClinGen allele CA368221453.